The following is an entry in ClinVar:

NM_182914.3(SYNE2):c.19581A>C (p.Lys6527Asn)

Gene: SYNE2 (spectrin repeat containing nuclear envelope protein 2; plus strand). Cytogenetic location: 14q23.2.
Variant type: single nucleotide variant.
Coding change: c.19581A>C on transcript NM_182914.3 (MANE Select); coding-DNA position 19581, A replaced by C.
Protein change: p.Lys6527Asn; replaces lysine 6527 with asparagine.
Molecular consequence: missense variant.
Genome position (GRCh38, 1-based): chr14:64,218,436, A>C. VCF-style: chr14-64218436-A-C. GRCh37 (hg19) VCF-style: chr14-64685154-A-C.
Other names: c.19512A>C, p.Lys6504Asn (NM_015180.6); c.105A>C, p.Lys35Asn (NM_182910.2); c.483A>C, p.Lys161Asn (NM_182913.4); short protein forms K6527N, K161N, K35N, K6504N.
Identifiers: ClinVar variation 538369 (VCV000538369.14), dbSNP rs141550472, ClinGen allele CA7224507.

ClinVar aggregate classification (germline): Conflicting classifications of pathogenicity. Review status: criteria provided, conflicting classifications (1 of 4 stars). 4 submissions from 4 submitters: Uncertain significance (1); Benign (1); Likely benign (2). Last evaluated 2026-01-15.

Conditions:
Emery-Dreifuss muscular dystrophy 5, autosomal dominant (EDMD5). Also called: EMERY-DREIFUSS MUSCULAR DYSTROPHY 5. Identifiers: Orphanet 261, MedGen C2751805, MONDO:0013072, OMIM 612999.

Allele frequency attached by ClinVar (database versions not stated): gnomAD exomes 0.00011 and 0.00036; ExAC 0.00046; gnomAD 0.00107 and 0.00111; TOPMed 0.00120; 1000 Genomes Project 0.00200; ESP Exome Variant Server 0.00200; 1000 Genomes Project 30x 0.00203.
gnomAD v4.1: 325 of 1,614,122 alleles (0.02%); highest among the groups gnomAD compares: African/African-American, 0.38%; 1 homozygote.

Submissions (4):

Labcorp Genetics (formerly Invitae), Labcorp
Classification: Benign for Emery-Dreifuss muscular dystrophy 5, autosomal dominant. Last evaluated: 2026-01-15. Review status: criteria provided, single submitter. Criteria: Invitae Variant Classification Sherloc (09022015). Collection method: clinical testing. Allele origin: germline.

Ambry Genetics
Classification: Uncertain significance. Last evaluated: 2025-07-31. Review status: criteria provided, single submitter. Criteria: Ambry Variant Classification Scheme 2023. Collection method: clinical testing. Allele origin: germline.

Women's Health and Genetics/Laboratory Corporation of America, LabCorp
Classification: Likely benign. Last evaluated: 2025-06-18. Review status: criteria provided, single submitter. Criteria: LabCorp Variant Classification Summary - May 2015. Collection method: clinical testing. Allele origin: germline.
Comment: Variant summary: SYNE2 c.19581A>C (p.Lys6527Asn) results in a non-conservative amino acid change in the encoded protein sequence. Algorithms developed to predict the effect of missense changes on protein structure and function are either unavailable or do not agree on the potential impact of this missense change. The variant allele was found at a frequency of 0.0002 in 1614122 control chromosomes, predominantly at a frequency of 0.0038 within the African or African-American subpopulation in the gnomAD database, including 1 homozygote. To our knowledge, no occurrence of c.19581A>C in individuals affected with Emery-Dreifuss muscular dystrophy 5, autosomal dominant and no experimental evidence demonstrating its impact on protein function have been reported. ClinVar contains an entry for this variant (Variation ID: 538369). Based on the evidence outlined above, the variant was classified as likely benign.

Blueprint Genetics
Classification: Likely benign. Last evaluated: 2024-10-18. Review status: criteria provided, single submitter. Criteria: ACMG Guidelines, 2015. Collection method: clinical testing. Allele origin: germline.